The following is an entry in ClinVar:

ClinVar aggregate classification (germline): Uncertain significance (1 of 4 stars; one submission).

Allele frequency attached by ClinVar (database versions not stated): TOPMed below 0.00001; gnomAD exomes 0.00001.
gnomAD v4.1: 11 of 1,614,026 alleles (0.00068%); highest among the groups gnomAD compares: South Asian, 0.0055%; 1 homozygote.

Submission:

Labcorp Genetics (formerly Invitae), Labcorp
Classification: Uncertain significance. Last evaluated: 2023-05-02. Review status: criteria provided, single submitter. Criteria: Invitae Variant Classification Sherloc (09022015). Collection method: clinical testing. Allele origin: germline.
Comment: In summary, the available evidence is currently insufficient to determine the role of this variant in disease. Therefore, it has been classified as a Variant of Uncertain Significance. Advanced modeling of protein sequence and biophysical properties (such as structural, functional, and spatial information, amino acid conservation, physicochemical variation, residue mobility, and thermodynamic stability) performed at Invitae indicates that this missense variant is not expected to disrupt IDH3B protein function. This variant has not been reported in the literature in individuals affected with IDH3B-related conditions. This variant is present in population databases (no rsID available, gnomAD 0.003%). This sequence change replaces arginine, which is basic and polar, with glutamine, which is neutral and polar, at codon 334 of the IDH3B protein (p.Arg334Gln).

NM_006899.5(IDH3B):c.1001G>A (p.Arg334Gln)

Gene: IDH3B (isocitrate dehydrogenase (NAD(+)) 3 non-catalytic subunit beta; minus strand). Cytogenetic location: 20p13.
Variant type: single nucleotide variant.
Coding change: c.1001G>A on transcript NM_006899.5 (MANE Select); coding-DNA position 1001, G replaced by A.
Protein change: p.Arg334Gln; replaces arginine 334 with glutamine.
Molecular consequence: missense variant. On other transcripts: non-coding transcript variant (1).
Genome position (GRCh38, 1-based): chr20:2,659,708, C>T on the plus strand (G>A on the coding strand, the complement: IDH3B is on the minus strand). VCF-style: chr20-2659708-C-T. GRCh37 (hg19) VCF-style: chr20-2640354-C-T.
Other names: c.1001G>A, p.Arg334Gln (NM_001258384.3, NM_001330763.2, NM_174855.4); short protein forms R334Q.
Identifiers: ClinVar variation 2870673 (VCV002870673.3), dbSNP rs1457095738, ClinGen allele CA408034056.